The following is an entry in ClinVar:

NM_006904.7(PRKDC):c.3464+131C>A

Gene: PRKDC (protein kinase, DNA-activated, catalytic subunit; minus strand). Cytogenetic location: 8q11.21.
Variant type: single nucleotide variant.
Coding change: c.3464+131C>A on transcript NM_006904.7 (MANE Select); 131 bases into the intron after coding-DNA position 3464, C replaced by A.
Molecular consequence: intron variant.
Genome position (GRCh38, 1-based): chr8:47,898,339, G>T on the plus strand (C>A on the coding strand, the complement: PRKDC is on the minus strand). VCF-style: chr8-47898339-G-T. GRCh37 (hg19) VCF-style: chr8-48810899-G-T.
Other names: c.3464+131C>A (NM_001081640.2).
Identifiers: ClinVar variation 1706834 (VCV001706834.2), dbSNP rs8178084, ClinGen allele CA12862044.
Genomic context (GRCh38, chr8:47,898,339, plus strand): 5'-CTTAAACCAAGTATTTTCAAACACAAAGCTTTTTAACGTTTTTGGAAAACGAACTCTTCA[G>T]ACTTCCACACATTCCTTGTTTAGGAAGTAATTCCTTATACTTCCACAGATCCATCCCAGG-3'

ClinVar aggregate classification (germline): Likely benign (1 of 4 stars; one submission).

Allele frequency attached by ClinVar (database versions not stated): 1000 Genomes Project 0.01997; 1000 Genomes Project 30x 0.02061.
gnomAD v4.1: 5,004 of 721,328 alleles (0.69%); highest among the groups gnomAD compares: African/African-American, 4%; 77 homozygotes.

Submission:

GeneDx
Classification: Likely benign. Last evaluated: 2018-09-02. Review status: criteria provided, single submitter. Criteria: GeneDx Variant Classification Process June 2021. Collection method: clinical testing. Allele origin: germline. Affected: yes.
Comment: See Variant Classification Assertion Criteria.